The following is an entry in ClinVar:

ClinVar aggregate classification (germline): Likely benign (1 of 4 stars; one submission).

Allele frequency attached by ClinVar (database versions not stated): ExAC 0.00002; gnomAD 0.00010; 1000 Genomes Project 30x 0.00016; 1000 Genomes Project 0.00899.

Submission:

CeGaT Center for Human Genetics Tuebingen
Classification: Likely benign. Last evaluated: 2025-05-01. Review status: criteria provided, single submitter. Criteria: CeGaT Center For Human Genetics Tuebingen Variant Classification Criteria Version 2. Collection method: clinical testing. Allele origin: germline. Affected: yes. Observed: 2 variant alleles.
Comment: PRAMEF10: BP4, BP7

NM_001039361.4(PRAMEF10):c.501T>C (p.Leu167=)

Gene: PRAMEF10 (PRAME family member 10; minus strand). Cytogenetic location: 1p36.21.
Variant type: single nucleotide variant.
Coding change: c.501T>C on transcript NM_001039361.4 (MANE Select); coding-DNA position 501, T replaced by C.
Protein change: p.Leu167=; no amino-acid change (leucine 167 retained).
Molecular consequence: synonymous variant.
Genome position (GRCh38, 1-based): chr1:12,894,951, A>G on the plus strand (T>C on the coding strand, the complement: PRAMEF10 is on the minus strand). VCF-style: chr1-12894951-A-G. GRCh37 (hg19) VCF-style: chr1-12954782-A-G.
Identifiers: ClinVar variation 2638280 (VCV002638280.24), dbSNP rs201025573, ClinGen allele CA18162374.